The following is an entry in ClinVar:

NM_000142.5(FGFR3):c.1544C>T (p.Thr515Ile)

Gene: FGFR3 (fibroblast growth factor receptor 3; plus strand). Cytogenetic location: 4p16.3.
Variant type: single nucleotide variant.
Coding change: c.1544C>T on transcript NM_000142.5 (MANE Select); coding-DNA position 1544, C replaced by T.
Protein change: p.Thr515Ile; replaces threonine 515 with isoleucine.
Molecular consequence: missense variant. On other transcripts: non-coding transcript variant (1).
Genome position (GRCh38, 1-based): chr4:1,805,568, C>T. VCF-style: chr4-1805568-C-T. GRCh37 (hg19) VCF-style: chr4-1807295-C-T.
Other names: c.1550C>T, p.Thr517Ile (NM_001163213.2); c.1547C>T, p.Thr516Ile (NM_001354809.2, NM_001354810.2); c.1208C>T, p.Thr403Ile (NM_022965.4); short protein forms T403I, T515I, T516I, T517I.
Identifiers: ClinVar variation 2574309 (VCV002574309.1), dbSNP rs1340047975, ClinGen allele CA355981415.

ClinVar aggregate classification (germline): Uncertain significance (1 of 4 stars; one submission).

gnomAD v4.1: 6 of 1,613,176 alleles (0.00037%); highest among the groups gnomAD compares: Non-Finnish European, 0.00051%; no homozygotes.

Submission:

GeneDx
Classification: Uncertain significance. Last evaluated: 2023-01-25. Review status: criteria provided, single submitter. Criteria: GeneDx Variant Classification Process June 2021. Collection method: clinical testing. Allele origin: germline. Affected: yes.
Comment: Not observed at significant frequency in large population cohorts (gnomAD); In silico analysis supports that this missense variant has a deleterious effect on protein structure/function; Has not been previously published as pathogenic or benign to our knowledge